The following is an entry in ClinVar:

NM_015662.3(IFT172):c.2368G>C (p.Glu790Gln)

Gene: IFT172 (intraflagellar transport 172; minus strand). Cytogenetic location: 2p23.3.
Variant type: single nucleotide variant.
Coding change: c.2368G>C on transcript NM_015662.3 (MANE Select); coding-DNA position 2368, G replaced by C.
Protein change: p.Glu790Gln; replaces glutamic acid 790 with glutamine.
Molecular consequence: missense variant.
Genome position (GRCh38, 1-based): chr2:27,461,343, C>G on the plus strand (G>C on the coding strand, the complement: IFT172 is on the minus strand). VCF-style: chr2-27461343-C-G. GRCh37 (hg19) VCF-style: chr2-27684210-C-G.
Other names: c.2302G>C, p.Glu768Gln (NM_001410739.1); short protein forms E768Q, E790Q.
Identifiers: ClinVar variation 5017186 (VCV005017186.1).

ClinVar aggregate classification (germline): Uncertain significance (1 of 4 stars; one submission).

Submission:

GeneDx
Classification: Uncertain significance. Last evaluated: 2026-04-02. Review status: criteria provided, single submitter. Criteria: GeneDx Variant Classification Process June 2021. Collection method: clinical testing. Allele origin: germline.
Comment: Not observed at significant frequency in large population cohorts (gnomAD); In silico analysis suggests that this missense variant does not alter protein structure/function; Has not been previously published as pathogenic or benign to our knowledge